The following is an entry in ClinVar:

ClinVar aggregate classification (germline): Uncertain significance (1 of 4 stars; one submission).

Conditions:
Rubinstein-Taybi syndrome (RSTS). Identifiers: Orphanet 783, MedGen C0035934, MONDO:0019188.

Submission:

Labcorp Genetics (formerly Invitae), Labcorp
Classification: Uncertain significance for Rubinstein-Taybi syndrome. Last evaluated: 2022-10-13. Review status: criteria provided, single submitter. Criteria: Invitae Variant Classification Sherloc (09022015). Collection method: clinical testing. Allele origin: germline.
Comment: This sequence change replaces threonine, which is neutral and polar, with isoleucine, which is neutral and non-polar, at codon 917 of the CREBBP protein (p.Thr917Ile). This variant is not present in population databases (gnomAD no frequency). This variant has not been reported in the literature in individuals affected with CREBBP-related conditions. Advanced modeling of protein sequence and biophysical properties (such as structural, functional, and spatial information, amino acid conservation, physicochemical variation, residue mobility, and thermodynamic stability) performed at Invitae indicates that this missense variant is not expected to disrupt CREBBP protein function. In summary, the available evidence is currently insufficient to determine the role of this variant in disease. Therefore, it has been classified as a Variant of Uncertain Significance.

NM_004380.3(CREBBP):c.2750C>T (p.Thr917Ile)

Gene: CREBBP (CREB binding lysine acetyltransferase; minus strand). Cytogenetic location: 16p13.3.
Variant type: single nucleotide variant.
Coding change: c.2750C>T on transcript NM_004380.3 (MANE Select); coding-DNA position 2750, C replaced by T.
Protein change: p.Thr917Ile; replaces threonine 917 with isoleucine.
Molecular consequence: missense variant.
Genome position (GRCh38, 1-based): chr16:3,770,700, G>A on the plus strand (C>T on the coding strand, the complement: CREBBP is on the minus strand). VCF-style: chr16-3770700-G-A. GRCh37 (hg19) VCF-style: chr16-3820701-G-A.
Other names: c.2636C>T, p.Thr879Ile (NM_001079846.1); short protein forms T917I, T879I.
Identifiers: ClinVar variation 2100070 (VCV002100070.4), dbSNP rs2141200560, ClinGen allele CA394550923.